The following is an entry in ClinVar:

NM_017565.4(FAM20A):c.907_908del (p.Ser303fs)

Genes: FAM20A (FAM20A golgi associated secretory pathway pseudokinase; minus strand), PRKAR1A (protein kinase cAMP-dependent type I regulatory subunit alpha; plus strand). Cytogenetic location: 17q24.2.
Variant type: Microsatellite.
Coding change: c.907_908del on transcript NM_017565.4 (MANE Select); coding-DNA positions 907 to 908, 2 bases deleted (AG; older notation c.907_908delAG).
Protein change: p.Ser303fs; shifts the reading frame from serine 303.
Molecular consequence: frameshift variant. On other transcripts: non-coding transcript variant (1), intron variant (1).
Genome position (GRCh38, 1-based): chr17:68,542,714-68,542,715, CT deleted on the plus strand (AG on the coding strand, the reverse complement: FAM20A is on the minus strand); deleting any 2 consecutive bases within chr17:68,542,714-68,542,717 gives the same sequence; the c. name uses the placement nearest the transcript's 3' end. VCF-style (leftmost placement, unchanged base first): chr17-68542713-ACT-A. GRCh37 (hg19) VCF-style: chr17-66538854-ACT-A.
Other names: c.493_494del, p.Ser165fs (NM_001243746.2); c.974-8368_974-8367del (NM_001276290.1); short protein forms S165fs, S303fs.
Identifiers: ClinVar variation 2723208 (VCV002723208.6), dbSNP rs750880244, ClinGen allele CA8729883.

ClinVar aggregate classification (germline): Pathogenic. Review status: criteria provided, multiple submitters, no conflicts (2 of 4 stars). 3 submissions from 3 submitters: Pathogenic (3). Last evaluated 2024-04-05.

Conditions:
Amelogenesis imperfecta type 1G (AI1G). Also called: AMELOGENESIS IMPERFECTA, HYPOPLASTIC, AND NEPHROCALCINOSIS; AMELOGENESIS IMPERFECTA, TYPE IG; Amelogenesis imperfecta hypoplastic type, IG; Amelogenesis imperfecta and nephrocalcinosis; Amelogenesis imperfecta nephrocalcinosis; Enamel renal syndrome. Identifiers: Orphanet 1031, Orphanet 171836, MedGen C2931783, MONDO:0008771, OMIM 204690. Disease mechanism: loss of function.

Submissions (3):

Fulgent Genetics
Classification: Pathogenic for Amelogenesis imperfecta type 1G. Last evaluated: 2024-04-05. Review status: criteria provided, single submitter. Criteria: ACMG Guidelines, 2015. Collection method: clinical testing. Allele origin: germline.

Labcorp Genetics (formerly Invitae), Labcorp
Classification: Pathogenic. Last evaluated: 2022-12-14. Review status: criteria provided, single submitter. Criteria: Invitae Variant Classification Sherloc (09022015). Collection method: clinical testing. Allele origin: germline.
Comment: This sequence change creates a premature translational stop signal (p.Ser303Cysfs*76) in the FAM20A gene. It is expected to result in an absent or disrupted protein product. Loss-of-function variants in FAM20A are known to be pathogenic (PMID: 21990045, 23434854). This variant is present in population databases (rs750880244, gnomAD 0.02%). This premature translational stop signal has been observed in individual(s) with FAM20A-related conditions (PMID: 23434854). It has also been observed to segregate with disease in related individuals. Algorithms developed to predict the effect of sequence changes on RNA splicing suggest that this variant may disrupt the consensus splice site. For these reasons, this variant has been classified as Pathogenic.

Juno Genomics, Hangzhou Juno Genomics, Inc
Classification: Pathogenic for Amelogenesis imperfecta type 1G. Review status: criteria provided, single submitter. Criteria: ACMG Guidelines, 2015. Collection method: clinical testing. Allele origin: germline.
Comment: Absent from controls (or at extremely low frequency if recessive) in Genome Aggregation Database.;Null variant in a gene where loss of function (LOF) is a known mechanism of disease.;For recessive disorders, detected in trans with a pathogenic variant.;Co-segregation with disease in multiple affected family members.

Literature cited by the submitters: PubMed 21990045 (cited by Labcorp Genetics (formerly Invitae), Labcorp); PubMed 23434854 (cited by Labcorp Genetics (formerly Invitae), Labcorp).